The following is an entry in ClinVar:

NM_002473.6(MYH9):c.2668del (p.Gln890fs)

Genes: MYH9 (myosin heavy chain 9; minus strand), LOC126863137 (CDK7 strongly-dependent group 2 enhancer GRCh37_chr22:36696002-36697201; plus strand). Cytogenetic location: 22q12.3.
Variant type: Deletion.
Coding change: c.2668del on transcript NM_002473.6 (MANE Select); coding-DNA position 2668, one base deleted (C; older notation c.2668delC).
Protein change: p.Gln890fs; shifts the reading frame from glutamine 890.
Molecular consequence: frameshift variant.
Genome position (GRCh38, 1-based): chr22:36,301,021, G deleted on the plus strand (C on the coding strand, the reverse complement: MYH9 is on the minus strand); the first of 2 consecutive G bases (chr22:36,301,021-36,301,022); deleting either gives the same sequence. VCF-style (leftmost placement, unchanged base first): chr22-36301020-TG-T. GRCh37 (hg19) VCF-style: chr22-36697066-TG-T.
Other names: short protein forms Q890fs.
Identifiers: ClinVar variation 623096 (VCV000623096.3), dbSNP rs1603483058, ClinGen allele CA915951359.

ClinVar aggregate classification (germline): Likely pathogenic (1 of 4 stars; one submission).

Conditions:
MYH9-related disorder. Identifiers: MedGen C1854520.

Submission:

NIHR Bioresource Rare Diseases, University of Cambridge
Classification: Likely pathogenic for MYH9-related disorder. Last evaluated: 2018-12-12. Review status: criteria provided, single submitter. Criteria: ACMG Guidelines, 2015. Collection method: research. Allele origin: unknown. Inheritance: Autosomal dominant inheritance. Affected: yes. Observed: 1 heterozygote.
Comment: PM2, PVS1, PP4